The following is an entry in ClinVar:

NM_001127222.2(CACNA1A):c.1975A>G (p.Thr659Ala)

Gene: CACNA1A (calcium voltage-gated channel subunit alpha1 A; minus strand). Cytogenetic location: 19p13.13.
Variant type: single nucleotide variant.
Coding change: c.1975A>G on transcript NM_001127222.2 (MANE Select); coding-DNA position 1975, A replaced by G.
Protein change: p.Thr659Ala; replaces threonine 659 with alanine.
Molecular consequence: missense variant.
Genome position (GRCh38, 1-based): chr19:13,307,793, T>C on the plus strand (A>G on the coding strand, the complement: CACNA1A is on the minus strand). VCF-style: chr19-13307793-T-C. GRCh37 (hg19) VCF-style: chr19-13418607-T-C.
Other names: c.1978A>G, p.Thr660Ala (NM_000068.4, NM_001127221.2, NM_001174080.2 and 1 more transcripts); c.1978A>G (NM_001127221.1); short protein forms T660A, T659A.
Identifiers: ClinVar variation 1493065 (VCV001493065.7), dbSNP rs2145002197, ClinGen allele CA404344556.

ClinVar aggregate classification (germline): Uncertain significance. Review status: criteria provided, multiple submitters, no conflicts (2 of 4 stars). 2 submissions from 2 submitters: Uncertain significance (2). Last evaluated 2023-04-11.

Conditions:
Episodic ataxia type 2 (EA2). Also called: ATAXIA, EPISODIC, WITH NYSTAGMUS; ATAXIA, FAMILIAL PAROXYSMAL; CEREBELLAR ATAXIA, PAROXYSMAL, ACETAZOLAMIDE-RESPONSIVE; CEREBELLOPATHY, HEREDITARY PAROXYSMAL; ACETAZOLAMIDE-RESPONSIVE HEREDITARY PAROXYSMAL CEREBELLAR ATAXIA; EPISODIC ATAXIA, NYSTAGMUS-ASSOCIATED. Identifiers: Orphanet 97, MedGen C1720416, MONDO:0007163, OMIM 108500.
Developmental and epileptic encephalopathy, 42 (DEE42A). Also called: DEVELOPMENTAL AND EPILEPTIC ENCEPHALOPATHY 42A; EPILEPTIC ENCEPHALOPATHY, EARLY INFANTILE, 42A; Epileptic encephalopathy, early infantile, 42. Identifiers: MedGen C4310716, MONDO:0014917, OMIM 617106.

Submissions (2):

Labcorp Genetics (formerly Invitae), Labcorp
Classification: Uncertain significance for Developmental and epileptic encephalopathy, 42; Episodic ataxia type 2. Last evaluated: 2023-04-11. Review status: criteria provided, single submitter. Criteria: Invitae Variant Classification Sherloc (09022015). Collection method: clinical testing. Allele origin: germline.
Comment: Advanced modeling of protein sequence and biophysical properties (such as structural, functional, and spatial information, amino acid conservation, physicochemical variation, residue mobility, and thermodynamic stability) performed at Invitae indicates that this missense variant is expected to disrupt CACNA1A protein function. ClinVar contains an entry for this variant (Variation ID: 1493065). This variant has not been reported in the literature in individuals affected with CACNA1A-related conditions. This variant is not present in population databases (gnomAD no frequency). This sequence change replaces threonine, which is neutral and polar, with alanine, which is neutral and non-polar, at codon 660 of the CACNA1A protein (p.Thr660Ala). In summary, the available evidence is currently insufficient to determine the role of this variant in disease. Therefore, it has been classified as a Variant of Uncertain Significance.

GeneDx
Classification: Uncertain significance. Last evaluated: 2023-03-28. Review status: criteria provided, single submitter. Criteria: GeneDx Variant Classification Process June 2021. Collection method: clinical testing. Allele origin: germline. Affected: yes.
Comment: Not observed at significant frequency in large population cohorts (gnomAD); In silico analysis supports that this missense variant has a deleterious effect on protein structure/function; Has not been previously published as pathogenic or benign to our knowledge